The following is an entry in ClinVar:

ClinVar aggregate classification (germline): Uncertain significance (1 of 4 stars; one submission).

Allele frequency attached by ClinVar (database versions not stated): ExAC 0.00004; ESP Exome Variant Server 0.00008; 1000 Genomes Project 30x 0.00016; gnomAD 0.00001 and 0.00003; 1000 Genomes Project 0.00020; gnomAD exomes 0.00001 and 0.00002; TOPMed 0.00001.
gnomAD v4.1: 14 of 1,613,096 alleles (0.00087%); highest among the groups gnomAD compares: African/African-American, 0.0027%; no homozygotes.

Submission:

Labcorp Genetics (formerly Invitae), Labcorp
Classification: Uncertain significance. Last evaluated: 2022-08-31. Review status: criteria provided, single submitter. Criteria: Invitae Variant Classification Sherloc (09022015). Collection method: clinical testing. Allele origin: germline.
Comment: This sequence change replaces glycine, which is neutral and non-polar, with serine, which is neutral and polar, at codon 1432 of the CARMIL2 protein (p.Gly1432Ser). This variant is present in population databases (rs200608717, gnomAD 0.008%). This variant has not been reported in the literature in individuals affected with CARMIL2-related conditions. ClinVar contains an entry for this variant (Variation ID: 1398664). Algorithms developed to predict the effect of missense changes on protein structure and function output the following: SIFT: "Tolerated"; PolyPhen-2: "Probably Damaging"; Align-GVGD: "Class C0". The serine amino acid residue is found in multiple mammalian species, which suggests that this missense change does not adversely affect protein function. In summary, the available evidence is currently insufficient to determine the role of this variant in disease. Therefore, it has been classified as a Variant of Uncertain Significance.

NM_001013838.3(CARMIL2):c.4294G>A (p.Gly1432Ser)

Gene: CARMIL2 (capping protein regulator and myosin 1 linker 2; plus strand). Cytogenetic location: 16q22.1.
Variant type: single nucleotide variant.
Coding change: c.4294G>A on transcript NM_001013838.3 (MANE Select); coding-DNA position 4294, G replaced by A.
Protein change: p.Gly1432Ser; replaces glycine 1432 with serine.
Molecular consequence: missense variant.
Genome position (GRCh38, 1-based): chr16:67,657,504, G>A. VCF-style: chr16-67657504-G-A. GRCh37 (hg19) VCF-style: chr16-67691407-G-A.
Other names: c.4105G>A, p.Gly1369Ser (NM_001317026.3); short protein forms G1369S, G1432S.
Identifiers: ClinVar variation 1398664 (VCV001398664.5), dbSNP rs200608717, ClinGen allele CA8114325.
Genomic context (GRCh38, chr16:67,657,504, plus strand): 5'-ACAGAGCCCTCCAGCCCTGAGCGGAGCCCACCCTCCCCAGCCACAGACCAAAGAGGCGGC[G>A]GCCCCAATCCCTGATCCTCTCCTCTCCTGCCGCATGAGATTATTTTATTAAAAAACTCAA-3'
Protein context (NP_001013860.1, residues 1422-1435): PSPATDQRGG[Gly1432Ser]PNP